The following is an entry in ClinVar:

NM_015346.4(ZFYVE26):c.773G>A (p.Arg258Gln)

Gene: ZFYVE26 (zinc finger FYVE-type containing 26; minus strand). Cytogenetic location: 14q24.1.
Variant type: single nucleotide variant.
Coding change: c.773G>A on transcript NM_015346.4 (MANE Select); coding-DNA position 773, G replaced by A.
Protein change: p.Arg258Gln; replaces arginine 258 with glutamine.
Molecular consequence: missense variant.
Genome position (GRCh38, 1-based): chr14:67,807,511, C>T on the plus strand (G>A on the coding strand, the complement: ZFYVE26 is on the minus strand). VCF-style: chr14-67807511-C-T. GRCh37 (hg19) VCF-style: chr14-68274228-C-T.
Other names: short protein forms R258Q.
Identifiers: ClinVar variation 313921 (VCV000313921.60), dbSNP rs150230201, ClinGen allele CA7240705.
Genomic context (GRCh38, chr14:67,807,511, plus strand): 5'-GTATGGCCATACAGGGACAGCAGGCCCCGGCTGGCCTTGTGCAGCAGGCAGCTGAGCAGC[C>T]GCTCCTCCCGCAGGGGACTCCCCTCGGTCCTGCAGGCCTCTAGTAGTTCCTCACACAGGA-3'
Protein context (NP_056161.2, residues 248-268): RTEGSPLREE[Arg258Gln]LLSCLLHKAS

ClinVar aggregate classification (germline): Conflicting classifications of pathogenicity. Review status: criteria provided, conflicting classifications (1 of 4 stars). 7 submissions from 7 submitters: Uncertain significance (3); Benign (1); Likely benign (2). 1 of the submissions does not count toward it. Last evaluated 2025-07-23.

Conditions:
Spastic paraplegia. Identifiers: MedGen C0037772, HP:0001258.
Hereditary spastic paraplegia 15 (SPG15). Also called: KJELLIN SYNDROME; SPASTIC PARAPLEGIA AND RETINAL DEGENERATION; SPASTIC PARAPLEGIA 15, AUTOSOMAL RECESSIVE. Identifiers: Orphanet 100996, MedGen C1849128, MONDO:0010044, OMIM 270700.
Inborn genetic diseases. Identifiers: MedGen C0950123, MeSH D030342.
ZFYVE26-related disorder. Also called: ZFYVE26-related condition.

Allele frequency attached by ClinVar (database versions not stated): gnomAD exomes 0.00025; ExAC 0.00040; gnomAD 0.00109 and 0.00113; TOPMed 0.00115; 1000 Genomes Project 0.00140; ESP Exome Variant Server 0.00161; 1000 Genomes Project 30x 0.00172.

Submissions (7):

Labcorp Genetics (formerly Invitae), Labcorp
Classification: Benign for Spastic paraplegia. Last evaluated: 2025-07-23. Review status: criteria provided, single submitter. Criteria: Invitae Variant Classification Sherloc (09022015). Collection method: clinical testing. Allele origin: germline.

Ambry Genetics
Classification: Likely benign for Inborn genetic diseases. Last evaluated: 2025-07-15. Review status: criteria provided, single submitter. Criteria: Ambry Variant Classification Scheme 2023. Collection method: clinical testing. Allele origin: germline.

Athena Diagnostics
Classification: Likely benign. Last evaluated: 2020-11-03. Review status: criteria provided, single submitter. Criteria: Athena Diagnostics criteria. Collection method: clinical testing. Allele origin: unknown.

Baylor Genetics
Classification: Uncertain significance for Hereditary spastic paraplegia 15. Last evaluated: 2020-09-03. Review status: criteria provided, single submitter. Criteria: ACMG Guidelines, 2015. Collection method: clinical testing. Allele origin: unknown. Affected: yes.
Comment: This variant was determined to be of uncertain significance according to ACMG Guidelines, 2015 [PMID:25741868].

CeGaT Center for Human Genetics Tuebingen
Classification: Uncertain significance. Last evaluated: 2018-11-01. Review status: criteria provided, single submitter. Criteria: CeGaT Center For Human Genetics Tuebingen Variant Classification Criteria Version 2. Collection method: clinical testing. Allele origin: germline. Affected: yes. Observed: 1 variant allele.

Illumina Laboratory Services, Illumina
Classification: Uncertain significance for Hereditary spastic paraplegia 15. Last evaluated: 2018-01-13. Review status: criteria provided, single submitter. Criteria: ICSL Variant Classification Criteria 13 December 2019. Collection method: clinical testing. Allele origin: germline.

PreventionGenetics, part of Exact Sciences
Classification: Likely benign for ZFYVE26-related condition. Last evaluated: 2022-10-13. Review status: no assertion criteria provided. Collection method: clinical testing. Allele origin: germline. Not counted in ClinVar's aggregate classification.
Comment: This variant is classified as likely benign based on ACMG/AMP sequence variant interpretation guidelines (Richards et al. 2015 PMID: 25741868, with internal and published modifications).